The following is an entry in ClinVar:

NM_001282225.2(ADA2):c.323-2A>G

Gene: ADA2 (adenosine deaminase 2; minus strand). Cytogenetic location: 22q11.1.
Variant type: single nucleotide variant.
Coding change: c.323-2A>G on transcript NM_001282225.2 (MANE Select); the canonical splice acceptor site of the intron before coding-DNA position 323, A replaced by G.
Molecular consequence: splice acceptor variant.
Genome position (GRCh38, 1-based): chr22:17,207,292, T>C on the plus strand (A>G on the coding strand, the complement: ADA2 is on the minus strand). VCF-style: chr22-17207292-T-C. GRCh37 (hg19) VCF-style: chr22-17688182-T-C.
Other names: c.197-2A>G (NM_001282227.2, NM_001282228.2); c.-38-2A>G (NM_001282229.2); c.323-2A>G (NM_001282226.2).
Identifiers: ClinVar variation 2977366 (VCV002977366.3), dbSNP rs2062365477, ClinGen allele CA410229949.

ClinVar aggregate classification (germline): Likely pathogenic (1 of 4 stars; one submission).

Conditions:
Deficiency of adenosine deaminase 2. Also called: Polyarteritis nodosa, childhoood-onset; Adenosine Deaminase 2 Deficiency; VASCULITIS, AUTOINFLAMMATION, IMMUNODEFICIENCY, AND HEMATOLOGIC DEFECTS SYNDROME. Identifiers: Orphanet 404553, MedGen C3887654, MONDO:0014306, OMIM 615688, MONDO:0100317.

Allele frequency attached by ClinVar (database versions not stated): gnomAD 0.00001; gnomAD exomes 0.00001.
gnomAD v4.1: 12 of 1,598,482 alleles (0.00075%); highest among the groups gnomAD compares: Admixed American, 0.0017%; no homozygotes.

Submission:

Labcorp Genetics (formerly Invitae), Labcorp
Classification: Likely pathogenic for Deficiency of adenosine deaminase 2. Last evaluated: 2023-08-20. Review status: criteria provided, single submitter. Criteria: Invitae Variant Classification Sherloc (09022015). Collection method: clinical testing. Allele origin: germline.
Comment: In summary, the currently available evidence indicates that the variant is pathogenic, but additional data are needed to prove that conclusively. Therefore, this variant has been classified as Likely Pathogenic. Algorithms developed to predict the effect of sequence changes on RNA splicing suggest that this variant may disrupt the consensus splice site. This variant has not been reported in the literature in individuals affected with ADA2-related conditions. This variant is not present in population databases (gnomAD no frequency). This sequence change affects an acceptor splice site in intron 2 of the ADA2 gene. It is expected to disrupt RNA splicing. Variants that disrupt the donor or acceptor splice site typically lead to a loss of protein function (PMID: 16199547), and loss-of-function variants in ADA2 are known to be pathogenic (PMID: 24552284, 24552285).

Literature cited by the submitters: PubMed 16199547; PubMed 24552284; PubMed 24552285.